The following is an entry in ClinVar:

ClinVar aggregate classification (germline): Pathogenic (1 of 4 stars; one submission).

Conditions:
Familial cancer of breast. Also called: Hereditary breast cancer; BREAST CANCER, FAMILIAL; hereditary breast carcinoma. Identifiers: Orphanet 227535, MedGen C0346153, MONDO:0016419, OMIM 114480. Disease mechanism: loss of function.

Submission:

Labcorp Genetics (formerly Invitae), Labcorp
Classification: Pathogenic for Familial cancer of breast. Last evaluated: 2019-01-25. Review status: criteria provided, single submitter. Criteria: Invitae Variant Classification Sherloc (09022015). Collection method: clinical testing. Allele origin: germline.
Comment: Loss-of-function variants in CHEK2 are known to be pathogenic (PMID: 21876083, 24713400). For these reasons, this variant has been classified as Pathogenic. This variant has not been reported in the literature in individuals with CHEK2-related conditions. This variant is not present in population databases (ExAC no frequency). This sequence change creates a premature translational stop signal (p.Ser62Profs*2) in the CHEK2 gene. It is expected to result in an absent or disrupted protein product.

Literature cited by the submitters: PubMed 21876083; PubMed 24713400.

NM_007194.4(CHEK2):c.183del (p.Ser62fs)

Gene: CHEK2 (checkpoint kinase 2; minus strand). Cytogenetic location: 22q12.1.
Variant type: Deletion.
Coding change: c.183del on transcript NM_007194.4 (MANE Select); coding-DNA position 183, one base deleted (C; older notation c.183delC).
Protein change: p.Ser62fs; shifts the reading frame from serine 62.
Molecular consequence: frameshift variant.
Genome position (GRCh38, 1-based): chr22:28,734,539, G deleted on the plus strand (C on the coding strand, the reverse complement: CHEK2 is on the minus strand). VCF-style (leftmost placement, unchanged base first): chr22-28734538-AG-A. GRCh37 (hg19) VCF-style: chr22-29130526-AG-A.
Other names: c.183delC, p.Ser62Profs (NM_001005735.3, NM_001349956.3, NM_145862.3); c.-595delC (NM_001257387.3); short protein forms S62fs.
Identifiers: ClinVar variation 864143 (VCV000864143.8), dbSNP rs2054322279, ClinGen allele CA916083812.